The following is an entry in ClinVar:

ClinVar aggregate classification (germline): Conflicting classifications of pathogenicity. Review status: criteria provided, conflicting classifications (1 of 4 stars). 17 submissions from 15 submitters: Uncertain significance (1); Benign (8); Likely benign (5). 3 of the submissions do not count toward it. Last evaluated 2026-06-01.

Conditions:
Kidney disorder. Also called: renal disease; Kidney disease; Kidney Diseases; Nephropathy; renal disorder. Identifiers: MedGen C0022658, MONDO:0005240, HP:0000112.
Nephronophthisis. Also called: Juvenile Nephronophthisis. Identifiers: Orphanet 655, MedGen C0687120, MONDO:0019005, HP:0000090.
NPHP3-related Meckel-like syndrome. Also called: Meckel syndrome type 7; GOLDSTON SYNDROME. Identifiers: Orphanet 3032, MedGen C2673885, MONDO:0009966, OMIM 267010.
Renal-hepatic-pancreatic dysplasia 1 (RHPD1). Identifiers: MedGen C3715199, MONDO:0008833, OMIM 208540.
Nephronophthisis 3 (NPHP3). Also called: Adolescent nephronophthisis. Identifiers: Orphanet 655, MedGen C1858392, MONDO:0011456, OMIM 604387.

Allele frequency attached by ClinVar (database versions not stated): gnomAD 0.01037 and 0.01052; ExAC 0.01720; gnomAD exomes 0.01363; 1000 Genomes Project 0.00419; 1000 Genomes Project 30x 0.00562; TOPMed 0.00876; ESP Exome Variant Server 0.01088.

Submissions (17):

CeGaT Center for Human Genetics Tuebingen
Classification: Benign. Last evaluated: 2026-06-01. Review status: criteria provided, single submitter. Criteria: CeGaT Center For Human Genetics Tuebingen Variant Classification Criteria Version 2. Collection method: clinical testing. Allele origin: germline. Affected: yes. Observed: 27 variant alleles.
Comment: NPHP3: BS1, BS2

Labcorp Genetics (formerly Invitae), Labcorp
Classification: Benign for Nephronophthisis. Last evaluated: 2026-02-02. Review status: criteria provided, single submitter. Criteria: Invitae Variant Classification Sherloc (09022015). Collection method: clinical testing. Allele origin: germline.

Mayo Clinic Laboratories, Mayo Clinic
Classification: Benign. Last evaluated: 2024-03-19. Review status: criteria provided, single submitter. Criteria: ACMG Guidelines, 2015. Collection method: clinical testing. Allele origin: germline. Observed: 19 variant alleles.
Comment: BA1, BP4

Women's Health and Genetics/Laboratory Corporation of America, LabCorp
Classification: Likely benign. Last evaluated: 2021-12-10. Review status: criteria provided, single submitter. Criteria: LabCorp Variant Classification Summary - May 2015. Collection method: clinical testing. Allele origin: germline.

Mendelics
Classification: Benign for Renal-hepatic-pancreatic dysplasia 1. Last evaluated: 2019-05-28. Review status: criteria provided, single submitter. Criteria: Mendelics Assertion Criteria 2017. Collection method: clinical testing. Allele origin: unknown.

GeneDx
Classification: Benign. Last evaluated: 2017-09-06. Review status: criteria provided, single submitter. Criteria: GeneDx Variant Classification (06012015). Collection method: clinical testing. Allele origin: germline. Affected: yes.
Comment: This variant is considered likely benign or benign based on one or more of the following criteria: it is a conservative change, it occurs at a poorly conserved position in the protein, it is predicted to be benign by multiple in silico algorithms, and/or has population frequency not consistent with disease.

Illumina Laboratory Services, Illumina
Classification: Uncertain significance for Renal-hepatic-pancreatic dysplasia 1. Last evaluated: 2017-04-27. Review status: criteria provided, single submitter. Criteria: ICSL Variant Classification Criteria 13 December 2019. Collection method: clinical testing. Allele origin: germline.

Illumina Laboratory Services, Illumina
Classification: Likely benign for Nephronophthisis 3. Last evaluated: 2017-04-27. Review status: criteria provided, single submitter. Criteria: ICSL Variant Classification Criteria 13 December 2019. Collection method: clinical testing. Allele origin: germline.
Comment: This variant was observed as part of a predisposition screen in an ostensibly healthy population. A literature search was performed for the gene, cDNA change, and amino acid change (where applicable). Publications were found based on this search. The evidence from the literature, in combination with allele frequency data from public databases where available, was sufficient to determine this variant is unlikely to cause disease. Therefore, this variant is classified as likely benign.

Illumina Laboratory Services, Illumina
Classification: Likely benign for NPHP3-related Meckel-like syndrome. Last evaluated: 2017-04-27. Review status: criteria provided, single submitter. Criteria: ICSL Variant Classification Criteria 13 December 2019. Collection method: clinical testing. Allele origin: germline.
Comment: This variant was observed as part of a predisposition screen in an ostensibly healthy population. A literature search was performed for the gene, cDNA change, and amino acid change (where applicable). No publications were found based on this search. Allele frequency data from public databases allowed determination this variant is unlikely to cause disease. Therefore, this variant is classified as likely benign.

Center for Pediatric Genomic Medicine, Children's Mercy Hospital and Clinics
Classification: Benign. Last evaluated: 2017-01-31. Review status: criteria provided, single submitter. Criteria: ACMG Guidelines, 2015. Collection method: clinical testing. Allele origin: germline.

Genome Diagnostics Laboratory, The Hospital for Sick Children
Classification: Likely benign for Kidney disorder. Last evaluated: 2016-12-12. Review status: criteria provided, single submitter. Criteria: ACMG Guidelines, 2015. Collection method: clinical testing. Allele origin: germline.

Laboratory for Molecular Medicine, Mass General Brigham Personalized Medicine
Classification: Likely benign. Last evaluated: 2016-03-29. Review status: criteria provided, single submitter. Criteria: LMM Criteria. Collection method: clinical testing. Allele origin: germline.
Comment: Variant identified in a genome or exome case(s) and assessed due to predicted null impact of the variant or pathogenic assertions in the literature or databases. Disclaimer: This variant has not undergone full assessment. The following are preliminary notes: frequency in ExAC 2.38% in european population with 3 homozygotes). Also Benign in Clinvar (by Emory)

Eurofins Ntd Llc (ga)
Classification: Benign. Last evaluated: 2013-11-14. Review status: criteria provided, single submitter. Criteria: EGL Classification Definitions 2015. Collection method: clinical testing. Allele origin: germline. Observed: 4 variant alleles, 4 heterozygotes.

PreventionGenetics, part of Exact Sciences
Classification: Benign. Review status: criteria provided, single submitter. Criteria: ACMG Guidelines, 2015. Collection method: clinical testing. Allele origin: germline.

Clinical Genetics DNA and cytogenetics Diagnostics Lab, Erasmus MC, Erasmus Medical Center
Classification: Likely benign. Review status: no assertion criteria provided. Collection method: clinical testing. Allele origin: germline. Affected: yes. Study: VKGL Data-share Consensus. Not counted in ClinVar's aggregate classification.

Genome Diagnostics Laboratory, University Medical Center Utrecht
Classification: Benign. Review status: no assertion criteria provided. Collection method: clinical testing. Allele origin: germline. Affected: yes. Study: VKGL Data-share Consensus. Not counted in ClinVar's aggregate classification.

Laboratory of Diagnostic Genome Analysis, Leiden University Medical Center (LUMC)
Classification: Likely benign. Review status: no assertion criteria provided. Collection method: clinical testing. Allele origin: germline. Affected: yes. Study: VKGL Data-share Consensus. Not counted in ClinVar's aggregate classification.

Literature cited by the submitters: PubMed 36090483 (cited by Mayo Clinic Laboratories, Mayo Clinic); PubMed 17855640 (cited by Illumina Laboratory Services, Illumina and Eurofins Ntd Llc (ga)).

NM_153240.5(NPHP3):c.154G>A (p.Ala52Thr)

Genes: NPHP3 (nephrocystin 3; minus strand), NPHP3-ACAD11 (NPHP3-ACAD11 readthrough (NMD candidate); minus strand), NPHP3-AS1 (NPHP3 antisense RNA 1; plus strand), LOC129937586 (ATAC-STARR-seq lymphoblastoid silent region 14743; plus strand). Cytogenetic location: 3q22.1.
Variant type: single nucleotide variant.
Coding change: c.154G>A on transcript NM_153240.5 (MANE Select); coding-DNA position 154, G replaced by A.
Protein change: p.Ala52Thr; replaces alanine 52 with threonine.
Molecular consequence: missense variant. On other transcripts: non-coding transcript variant (3).
Genome position (GRCh38, 1-based): chr3:132,722,202, C>T on the plus strand (G>A on the coding strand, the complement: NPHP3 is on the minus strand). VCF-style: chr3-132722202-C-T. GRCh37 (hg19) VCF-style: chr3-132441046-C-T.
Other names: short protein forms A52T.
Identifiers: ClinVar variation 96509 (VCV000096509.60), dbSNP rs145643112, ClinGen allele CA149567.